The following is an entry in ClinVar:

ClinVar aggregate classification (germline): Pathogenic/Likely pathogenic. Review status: criteria provided, multiple submitters, no conflicts (2 of 4 stars). 8 submissions from 8 submitters: Pathogenic (5); Likely pathogenic (1). 2 of the submissions do not count toward it. Last evaluated 2026-02-02.

Conditions:
GALNS-related disorders.
Mucopolysaccharidosis, MPS-IV-A (MPS4A). Also called: Morquio syndrome A, mild; MORQUIO A DISEASE; MPS IVA; mucopolysaccharidosis type 4A; MORQUIO SYNDROME A; GALACTOSAMINE-6-SULFATASE DEFICIENCY. Identifiers: Orphanet 309297, Orphanet 582, MedGen C0086651, MONDO:0009659, OMIM 253000.

Allele frequency attached by ClinVar (database versions not stated): gnomAD 0.00002; gnomAD exomes 0.00002 and 0.00003; TOPMed 0.00002.
gnomAD v4.1: 32 of 1,613,570 alleles (0.002%); highest among the groups gnomAD compares: Middle Eastern, 0.016%; no homozygotes.

Submissions (8):

Labcorp Genetics (formerly Invitae), Labcorp
Classification: Pathogenic for Mucopolysaccharidosis, MPS-IV-A. Last evaluated: 2026-02-02. Review status: criteria provided, single submitter. Criteria: Invitae Variant Classification Sherloc (09022015). Collection method: clinical testing. Allele origin: germline.
Comment: This sequence change replaces arginine, which is basic and polar, with glutamine, which is neutral and polar, at codon 259 of the GALNS protein (p.Arg259Gln). This variant is present in population databases (rs118204442, gnomAD 0.04%). This missense change has been observed in individuals with mucopolysaccharidosis type IVA (PMID: 9298823, 24389823). It has also been observed to segregate with disease in related individuals. ClinVar contains an entry for this variant (Variation ID: 706). Invitae Evidence Modeling of protein sequence and biophysical properties (such as structural, functional, and spatial information, amino acid conservation, physicochemical variation, residue mobility, and thermodynamic stability) indicates that this missense variant is expected to disrupt GALNS protein function with a positive predictive value of 95%. For these reasons, this variant has been classified as Pathogenic.

Fulgent Genetics
Classification: Pathogenic for Mucopolysaccharidosis, MPS-IV-A. Last evaluated: 2024-06-06. Review status: criteria provided, single submitter. Criteria: ACMG Guidelines, 2015. Collection method: clinical testing. Allele origin: germline.

GeneDx
Classification: Pathogenic. Last evaluated: 2024-05-01. Review status: criteria provided, single submitter. Criteria: GeneDx Variant Classification Process June 2021. Collection method: clinical testing. Allele origin: germline. Affected: yes.
Comment: Published functional studies found this variant is associated with significantly reduced enzyme activity and protein expression (PMID: 10814710); In silico analysis indicates that this missense variant does not alter protein structure/function; This variant is associated with the following publications: (PMID: 25287660, 25501214, 23876334, 23657977, 9298823, 24726177, 29275451, 24389823, 9660054, 10814710, 32183856, 31980526, 22940367)

Genomic Medicine Center of Excellence, King Faisal Specialist Hospital and Research Centre
Classification: Pathogenic for Mucopolysaccharidosis, MPS-IV-A. Last evaluated: 2024-03-25. Review status: criteria provided, single submitter. Criteria: ACMG Guidelines, 2015. Collection method: clinical testing. Allele origin: germline.

Blueprint Genetics
Classification: Pathogenic for GALNS-related disorders. Last evaluated: 2023-09-29. Review status: criteria provided, single submitter. Criteria: ACMG Guidelines, 2015. Collection method: clinical testing. Allele origin: germline. Affected: yes. Observed: 3 variant alleles.

Laboratory of Diagnosis and Therapy of Lysosomal Disorders, University of Padova
Classification: Likely pathogenic for Mucopolysaccharidosis, MPS-IV-A. Last evaluated: 2021-02-01. Review status: criteria provided, single submitter. Criteria: ACMG Guidelines, 2015. Collection method: curation. Allele origin: germline. Affected: yes.
Comment: The prevalence of the variant in affected individuals is significantly increased compared with the prevalence in controls (PS4_strong); very low frequency in gnomAD v2.1.1 (PM2_moderate)

OMIM
Classification: Pathogenic for MUCOPOLYSACCHARIDOSIS, TYPE IVA. Last evaluated: 1998-05-01. Review status: no assertion criteria provided. Collection method: literature only. Allele origin: germline. Not counted in ClinVar's aggregate classification.

GeneReviews
No classification provided. Condition: Mucopolysaccharidosis, MPS-IV-A. Review status: no classification provided. Collection method: literature only. Allele origin: germline. Not counted in ClinVar's aggregate classification.

Literature cited by the submitters: PubMed 9298823 (cited by 3 submitters); PubMed 24389823 (cited by Labcorp Genetics (formerly Invitae), Labcorp and Laboratory of Diagnosis and Therapy of Lysosomal Disorders, University of Padova); PubMed 16287098 (cited by Laboratory of Diagnosis and Therapy of Lysosomal Disorders, University of Padova); PubMed 24726177 (cited by Laboratory of Diagnosis and Therapy of Lysosomal Disorders, University of Padova); PubMed 29275451 (cited by Laboratory of Diagnosis and Therapy of Lysosomal Disorders, University of Padova); PubMed 9660054 (cited by Laboratory of Diagnosis and Therapy of Lysosomal Disorders, University of Padova and OMIM); PubMed 34387910 (cited by Laboratory of Diagnosis and Therapy of Lysosomal Disorders, University of Padova); PubMed 32102177 (cited by GeneReviews); PubMed 23844448 (cited by GeneReviews).

NM_000512.5(GALNS):c.776G>A (p.Arg259Gln)

Gene: GALNS (galactosamine (N-acetyl)-6-sulfatase; minus strand). Cytogenetic location: 16q24.3.
Variant type: single nucleotide variant.
Coding change: c.776G>A on transcript NM_000512.5 (MANE Select); coding-DNA position 776, G replaced by A.
Protein change: p.Arg259Gln; replaces arginine 259 with glutamine.
Molecular consequence: missense variant.
Genome position (GRCh38, 1-based): chr16:88,835,335, C>T on the plus strand (G>A on the coding strand, the complement: GALNS is on the minus strand). VCF-style: chr16-88835335-C-T. GRCh37 (hg19) VCF-style: chr16-88901743-C-T.
Other names: c.776G>A (NM_000512.4); c.221G>A, p.Arg74Gln (NM_001323543.2); c.794G>A, p.Arg265Gln (NM_001323544.2); short protein forms R259Q, R265Q, R74Q.
Identifiers: ClinVar variation 706 (VCV000000706.15), dbSNP rs118204442, ClinGen allele CA251569.